The following is an entry in ClinVar:

NM_173551.5(ANKS6):c.2113C>T (p.Pro705Ser)

Gene: ANKS6 (ankyrin repeat and sterile alpha motif domain containing 6; minus strand). Cytogenetic location: 9q22.33.
Variant type: single nucleotide variant.
Coding change: c.2113C>T on transcript NM_173551.5 (MANE Select); coding-DNA position 2113, C replaced by T.
Protein change: p.Pro705Ser; replaces proline 705 with serine.
Molecular consequence: missense variant.
Genome position (GRCh38, 1-based): chr9:98,768,110, G>A on the plus strand (C>T on the coding strand, the complement: ANKS6 is on the minus strand). VCF-style: chr9-98768110-G-A. GRCh37 (hg19) VCF-style: chr9-101530392-G-A.
Other names: c.2113C>T (NM_173551.3); short protein forms P705S.
Identifiers: ClinVar variation 566534 (VCV000566534.9), dbSNP rs146038901, ClinGen allele CA5153259.

ClinVar aggregate classification (germline): Uncertain significance. Review status: criteria provided, multiple submitters, no conflicts (2 of 4 stars). 4 submissions from 4 submitters: Uncertain significance (3). 1 of the submissions does not count toward it. Last evaluated 2024-06-25.

Conditions:
Nephronophthisis 16 (NPHP16). Identifiers: Orphanet 655, MedGen C3809320, MONDO:0014158, OMIM 615382.
ANKS6-related disorder. Also called: ANKS6-related condition.
Inborn genetic diseases. Identifiers: MedGen C0950123, MeSH D030342.

Allele frequency attached by ClinVar (database versions not stated): gnomAD exomes 0.00003 and 0.00009; ExAC 0.00018; 1000 Genomes Project 0.00020; gnomAD 0.00034 and 0.00037; TOPMed 0.00041; 1000 Genomes Project 30x 0.00047; ESP Exome Variant Server 0.00078.
gnomAD v4.1: 94 of 1,612,126 alleles (0.0058%); highest among the groups gnomAD compares: African/African-American, 0.12%; no homozygotes.

Submissions (4):

Ambry Genetics
Classification: Uncertain significance for Inborn genetic diseases. Last evaluated: 2024-06-25. Review status: criteria provided, single submitter. Criteria: Ambry Variant Classification Scheme 2023. Collection method: clinical testing. Allele origin: germline.

Fulgent Genetics
Classification: Uncertain significance for Nephronophthisis 16. Last evaluated: 2024-03-17. Review status: criteria provided, single submitter. Criteria: ACMG Guidelines, 2015. Collection method: clinical testing. Allele origin: germline.

Labcorp Genetics (formerly Invitae), Labcorp
Classification: Uncertain significance for Nephronophthisis 16. Last evaluated: 2022-07-12. Review status: criteria provided, single submitter. Criteria: Invitae Variant Classification Sherloc (09022015). Collection method: clinical testing. Allele origin: germline.
Comment: This sequence change replaces proline, which is neutral and non-polar, with serine, which is neutral and polar, at codon 705 of the ANKS6 protein (p.Pro705Ser). This variant is present in population databases (rs146038901, gnomAD 0.2%). This variant has not been reported in the literature in individuals affected with ANKS6-related conditions. ClinVar contains an entry for this variant (Variation ID: 566534). Algorithms developed to predict the effect of missense changes on protein structure and function output the following: SIFT: "Tolerated"; PolyPhen-2: "Benign"; Align-GVGD: "Class C0". The serine amino acid residue is found in multiple mammalian species, which suggests that this missense change does not adversely affect protein function. In summary, the available evidence is currently insufficient to determine the role of this variant in disease. Therefore, it has been classified as a Variant of Uncertain Significance.

PreventionGenetics, part of Exact Sciences
Classification: Uncertain significance for ANKS6-related condition. Last evaluated: 2024-06-28. Review status: no assertion criteria provided. Collection method: clinical testing. Allele origin: germline. Not counted in ClinVar's aggregate classification.
Comment: The ANKS6 c.2113C>T variant is predicted to result in the amino acid substitution p.Pro705Ser. To our knowledge, this variant has not been reported in the literature. This variant is reported in 0.15% of alleles in individuals of African descent in gnomAD. Although we suspect that this variant may be benign, at this time, the clinical significance of this variant is uncertain due to the absence of conclusive functional and genetic evidence.